The following is an entry in ClinVar:

NM_032776.3(JMJD1C):c.4898A>G (p.Glu1633Gly)

Gene: JMJD1C (jumonji domain containing 1C; minus strand). Cytogenetic location: 10q21.3.
Variant type: single nucleotide variant.
Coding change: c.4898A>G on transcript NM_032776.3 (MANE Select); coding-DNA position 4898, A replaced by G.
Protein change: p.Glu1633Gly; replaces glutamic acid 1633 with glycine.
Molecular consequence: missense variant. On other transcripts: non-coding transcript variant (1).
Genome position (GRCh38, 1-based): chr10:63,206,771, T>C on the plus strand (A>G on the coding strand, the complement: JMJD1C is on the minus strand). VCF-style: chr10-63206771-T-C. GRCh37 (hg19) VCF-style: chr10-64966531-T-C.
Other names: c.4898A>G (NM_032776.2); c.4352A>G, p.Glu1451Gly (NM_001282948.2, NM_001318154.2); c.4034A>G, p.Glu1345Gly (NM_001318153.2); c.4784A>G, p.Glu1595Gly (NM_001322252.2); c.4241A>G, p.Glu1414Gly (NM_001322254.2, NM_001322258.2); short protein forms E1595G, E1633G, E1414G, E1451G, E1345G.
Identifiers: ClinVar variation 1483148 (VCV001483148.9), dbSNP rs752937702, ClinGen allele CA5518190.

ClinVar aggregate classification (germline): Uncertain significance. Review status: criteria provided, multiple submitters, no conflicts (2 of 4 stars). 2 submissions from 2 submitters: Uncertain significance (2). Last evaluated 2024-11-06.

Conditions:
Early Myoclonic Encephalopathy. Identifiers: MedGen C0270855.
JMJD1C-related disorder. Also called: JMJD1C-related condition.

Allele frequency attached by ClinVar (database versions not stated): gnomAD exomes below 0.00001; ExAC 0.00001; gnomAD 0.00001; TOPMed 0.00002.
gnomAD v4.1: 1 of 1,610,054 alleles (0.000062%); highest among the groups gnomAD compares: African/African-American, 0.0013%; no homozygotes.

Submissions (2):

PreventionGenetics, part of Exact Sciences
Classification: Uncertain significance for JMJD1C-related condition. Last evaluated: 2024-11-06. Review status: criteria provided, single submitter. Criteria: ACMG Guidelines, 2015. Collection method: clinical testing. Allele origin: germline.
Comment: The JMJD1C c.4898A>G variant is predicted to result in the amino acid substitution p.Glu1633Gly. To our knowledge, this variant has not been reported in the literature. This variant is reported in 0.0065% of alleles in individuals of African descent in gnomAD. At this time, the clinical significance of this variant is uncertain due to the absence of conclusive functional and genetic evidence.

Labcorp Genetics (formerly Invitae), Labcorp
Classification: Uncertain significance for Early Myoclonic Encephalopathy. Last evaluated: 2020-11-04. Review status: criteria provided, single submitter. Criteria: Invitae Variant Classification Sherloc (09022015). Collection method: clinical testing. Allele origin: germline.
Comment: Algorithms developed to predict the effect of missense changes on protein structure and function output the following: SIFT: "Tolerated"; PolyPhen-2: "Benign"; Align-GVGD: "Class C0". The glycine amino acid residue is found in multiple mammalian species, suggesting that this missense change does not adversely affect protein function. These predictions have not been confirmed by published functional studies and their clinical significance is uncertain. In summary, the available evidence is currently insufficient to determine the role of this variant in disease. Therefore, it has been classified as a Variant of Uncertain Significance. This variant has not been reported in the literature in individuals with JMJD1C-related conditions. This variant is present in population databases (rs752937702, ExAC 0.01%). This sequence change replaces glutamic acid with glycine at codon 1633 of the JMJD1C protein (p.Glu1633Gly). The glutamic acid residue is moderately conserved and there is a moderate physicochemical difference between glutamic acid and glycine.